The following is an entry in ClinVar:

ClinVar aggregate classification (germline): Benign/Likely benign. Review status: criteria provided, multiple submitters, no conflicts (2 of 4 stars). 3 submissions from 3 submitters: Benign (1); Likely benign (2). Last evaluated 2025-02-04.

Conditions:
Hereditary nonpolyposis colorectal neoplasms. Identifiers: MedGen C0009405, MeSH D003123.
Lynch syndrome 4 (LYNCH4). Also called: Colorectal cancer, hereditary nonpolyposis, type 4; Hereditary non-polyposis colorectal cancer, type 4. Identifiers: Orphanet 144, MedGen C1838333, MONDO:0013699, OMIM 614337. Disease mechanism: loss of function.
Hereditary cancer-predisposing syndrome. Also called: Hereditary Cancer Syndrome; Tumor predisposition; Neoplastic Syndromes, Hereditary; Hereditary neoplastic syndrome. Identifiers: Orphanet 140162, MedGen C0027672, MeSH D009386, MONDO:0015356.

Submissions (3):

Myriad Genetics, Inc.
Classification: Benign for Lynch syndrome 4. Last evaluated: 2025-02-04. Review status: criteria provided, single submitter. Criteria: Myriad Autosomal Dominant, Autosomal Recessive and X-Linked Classification Criteria (2023). Collection method: clinical testing. Allele origin: unknown.
Comment: This variant is considered benign. This variant is a silent/synonymous amino acid change and it is not expected to impact splicing.

Labcorp Genetics (formerly Invitae), Labcorp
Classification: Likely benign for Hereditary nonpolyposis colorectal neoplasms. Last evaluated: 2022-05-18. Review status: criteria provided, single submitter. Criteria: Invitae Variant Classification Sherloc (09022015). Collection method: clinical testing. Allele origin: germline.

Ambry Genetics
Classification: Likely benign for Hereditary cancer-predisposing syndrome. Last evaluated: 2019-08-23. Review status: criteria provided, single submitter. Criteria: Ambry Variant Classification Scheme 2023. Collection method: clinical testing. Allele origin: germline.

NM_000535.7(PMS2):c.2424C>T (p.Ala808=)

Gene: PMS2 (PMS1 homolog 2, mismatch repair system component; minus strand). Cytogenetic location: 7p22.1.
Variant type: single nucleotide variant.
Coding change: c.2424C>T on transcript NM_000535.7 (MANE Select); coding-DNA position 2424, C replaced by T.
Protein change: p.Ala808=; no amino-acid change (alanine 808 retained).
Molecular consequence: synonymous variant. On other transcripts: non-coding transcript variant (1).
Genome position (GRCh38, 1-based): chr7:5,977,609, G>A on the plus strand (C>T on the coding strand, the complement: PMS2 is on the minus strand). VCF-style: chr7-5977609-G-A. GRCh37 (hg19) VCF-style: chr7-6017240-G-A.
Other names: c.2019C>T, p.Ala673= (NM_001322003.2, NM_001322004.2, NM_001322005.2); c.2268C>T, p.Ala756= (NM_001322006.2); c.2106C>T, p.Ala702= (NM_001322007.2, NM_001322008.2); c.2052C>T, p.Ala684= (NM_001322009.2); c.1863C>T, p.Ala621= (NM_001322010.2); c.1491C>T, p.Ala497= (NM_001322011.2, NM_001322012.2); c.1851C>T, p.Ala617= (NM_001322013.2); c.2457C>T, p.Ala819= (NM_001322014.2); and 1 more.
Identifiers: ClinVar variation 702018 (VCV000702018.14), dbSNP rs1583279664, ClinGen allele CA453642319.